The following is an entry in ClinVar:

ClinVar aggregate classification (germline): Likely benign. Review status: criteria provided, multiple submitters, no conflicts (2 of 4 stars). 5 submissions from 5 submitters: Likely benign (5). Last evaluated 2026-07-01.

Conditions:
Intellectual developmental disorder, autosomal dominant 1. Also called: Intellectual disability, autosomal dominant 1; MBD5 Haploinsufficiency. Identifiers: Orphanet 228402, MedGen C1969562, MONDO:0007974, OMIM 156200.

Allele frequency attached by ClinVar (database versions not stated): ExAC 0.00007; ESP Exome Variant Server 0.00023; 1000 Genomes Project 30x 0.00031; TOPMed 0.00007; 1000 Genomes Project 0.00020.
gnomAD v4.1: 114 of 1,614,124 alleles (0.0071%); highest among the groups gnomAD compares: Non-Finnish European, 0.0092%; no homozygotes.

Submissions (5):

CeGaT Center for Human Genetics Tuebingen
Classification: Likely benign. Last evaluated: 2026-07-01. Review status: criteria provided, single submitter. Criteria: CeGaT Center For Human Genetics Tuebingen Variant Classification Criteria Version 2. Collection method: clinical testing. Allele origin: germline. Affected: yes. Observed: 1 variant allele.
Comment: MBD5: BP4, BP7

Labcorp Genetics (formerly Invitae), Labcorp
Classification: Likely benign for Intellectual developmental disorder, autosomal dominant 1. Last evaluated: 2025-10-28. Review status: criteria provided, single submitter. Criteria: Invitae Variant Classification Sherloc (09022015). Collection method: clinical testing. Allele origin: germline.

Mayo Clinic Laboratories, Mayo Clinic
Classification: Likely benign. Last evaluated: 2025-10-15. Review status: criteria provided, single submitter. Criteria: ACMG Guidelines, 2015. Collection method: clinical testing. Allele origin: germline. Observed: 1 variant allele.
Comment: BS2, BP4, BP7

Blueprint Genetics
Classification: Likely benign. Last evaluated: 2023-12-27. Review status: criteria provided, single submitter. Criteria: ACMG Guidelines, 2015. Collection method: clinical testing. Allele origin: germline.

GeneDx
Classification: Likely benign. Last evaluated: 2020-04-08. Review status: criteria provided, single submitter. Criteria: GeneDx Variant Classification Process June 2021. Collection method: clinical testing. Allele origin: germline. Affected: yes.

NM_001378120.1(MBD5):c.4950C>T (p.Pro1650=)

Gene: MBD5 (methyl-CpG binding domain protein 5; plus strand). Cytogenetic location: 2q23.1.
Variant type: single nucleotide variant.
Coding change: c.4950C>T on transcript NM_001378120.1 (MANE Select); coding-DNA position 4950, C replaced by T.
Protein change: p.Pro1650=; no amino-acid change (proline 1650 retained).
Molecular consequence: synonymous variant.
Genome position (GRCh38, 1-based): chr2:148,490,582, C>T. VCF-style: chr2-148490582-C-T. GRCh37 (hg19) VCF-style: chr2-149248151-C-T.
Other names: p.Pro1417=; c.4251C>T, p.Pro1417= (NM_018328.5).
Identifiers: ClinVar variation 1084098 (VCV001084098.13), dbSNP rs148394839, ClinGen allele CA1900491.